The following is an entry in ClinVar:

NM_001365999.1(SZT2):c.6101G>A (p.Gly2034Asp)

Gene: SZT2 (SZT2 subunit of KICSTOR complex; plus strand). Cytogenetic location: 1p34.2.
Variant type: single nucleotide variant.
Coding change: c.6101G>A on transcript NM_001365999.1 (MANE Select); coding-DNA position 6101, G replaced by A.
Protein change: p.Gly2034Asp; replaces glycine 2034 with aspartic acid.
Molecular consequence: missense variant.
Genome position (GRCh38, 1-based): chr1:43,437,237, G>A. VCF-style: chr1-43437237-G-A. GRCh37 (hg19) VCF-style: chr1-43902908-G-A.
Other names: c.5930G>A, p.Gly1977Asp (NM_015284.4); short protein forms G1977D, G2034D.
Identifiers: ClinVar variation 2086880 (VCV002086880.4), dbSNP rs2545840772, ClinGen allele CA340028233.
Genomic context (GRCh38, chr1:43,437,237, plus strand): 5'-CTGCTGATGAGAGCTGTGCGCCCCGTGGGTACCTGGCAGCCACAATGCAGTTTGTCCCTG[G>A]CCATTTCTCCTGTGACGTTGTGTGGGGAACTGTGATCCGAGTCCATTCACGCCTCAAAAT-3'
Protein context (NP_001352928.1, residues 2024-2044): YLAATMQFVP[Gly2034Asp]HFSCDVVWGT

ClinVar aggregate classification (germline): Uncertain significance (1 of 4 stars; one submission).

Submission:

Labcorp Genetics (formerly Invitae), Labcorp
Classification: Uncertain significance. Last evaluated: 2022-01-17. Review status: criteria provided, single submitter. Criteria: Invitae Variant Classification Sherloc (09022015). Collection method: clinical testing. Allele origin: germline.
Comment: This sequence change replaces glycine, which is neutral and non-polar, with aspartic acid, which is acidic and polar, at codon 1977 of the SZT2 protein (p.Gly1977Asp). This variant is not present in population databases (gnomAD no frequency). This variant has not been reported in the literature in individuals affected with SZT2-related conditions. Algorithms developed to predict the effect of missense changes on protein structure and function (SIFT, PolyPhen-2, Align-GVGD) all suggest that this variant is likely to be disruptive. In summary, the available evidence is currently insufficient to determine the role of this variant in disease. Therefore, it has been classified as a Variant of Uncertain Significance.